The following is an entry in ClinVar:

NM_020706.2(SCAF4):c.3068G>A (p.Arg1023Lys)

Gene: SCAF4 (SR-related CTD associated factor 4; minus strand). Cytogenetic location: 21q22.11.
Variant type: single nucleotide variant.
Coding change: c.3068G>A on transcript NM_020706.2 (MANE Select); coding-DNA position 3068, G replaced by A.
Protein change: p.Arg1023Lys; replaces arginine 1023 with lysine.
Molecular consequence: missense variant.
Genome position (GRCh38, 1-based): chr21:31,671,775, C>T on the plus strand (G>A on the coding strand, the complement: SCAF4 is on the minus strand). VCF-style: chr21-31671775-C-T. GRCh37 (hg19) VCF-style: chr21-33044088-C-T.
Other names: c.3023G>A, p.Arg1008Lys (NM_001145444.1); c.3002G>A, p.Arg1001Lys (NM_001145445.1); short protein forms R1001K, R1008K, R1023K.
Identifiers: ClinVar variation 5039043 (VCV005039043.1).

ClinVar aggregate classification (germline): Likely benign (1 of 4 stars; one submission).

gnomAD v4.1: 21 of 1,614,034 alleles (0.0013%); highest among the groups gnomAD compares: African/African-American, 0.024%; 1 homozygote.

Submission:

CeGaT Center for Human Genetics Tuebingen
Classification: Likely benign. Last evaluated: 2026-07-01. Review status: criteria provided, single submitter. Criteria: CeGaT Center For Human Genetics Tuebingen Variant Classification Criteria Version 2. Collection method: clinical testing. Allele origin: germline. Affected: yes. Observed: 1 variant allele.
Comment: SCAF4: BS1